The following is an entry in ClinVar:

ClinVar aggregate classification (germline): Uncertain significance (1 of 4 stars; one submission).

Allele frequency attached by ClinVar (database versions not stated): gnomAD exomes 0.00001.
gnomAD v4.1: 3 of 1,609,534 alleles (0.00019%); highest among the groups gnomAD compares: South Asian, 0.0033%; no homozygotes.

Submission:

Ambry Genetics
Classification: Uncertain significance. Last evaluated: 2023-01-12. Review status: criteria provided, single submitter. Criteria: Ambry Variant Classification Scheme 2023. Collection method: clinical testing. Allele origin: germline.
Comment: The p.R981G variant (also known as c.2941A>G), located in coding exon 26 of the PRKDC gene, results from an A to G substitution at nucleotide position 2941. The arginine at codon 981 is replaced by glycine, an amino acid with dissimilar properties. This amino acid position is conserved. In addition, this alteration is predicted to be deleterious by in silico analysis. Since supporting evidence is limited at this time, the clinical significance of this alteration remains unclear.

NM_006904.7(PRKDC):c.2941A>G (p.Arg981Gly)

Gene: PRKDC (protein kinase, DNA-activated, catalytic subunit; minus strand). Cytogenetic location: 8q11.21.
Variant type: single nucleotide variant.
Coding change: c.2941A>G on transcript NM_006904.7 (MANE Select); coding-DNA position 2941, A replaced by G.
Protein change: p.Arg981Gly; replaces arginine 981 with glycine.
Molecular consequence: missense variant.
Genome position (GRCh38, 1-based): chr8:47,904,970, T>C on the plus strand (A>G on the coding strand, the complement: PRKDC is on the minus strand). VCF-style: chr8-47904970-T-C. GRCh37 (hg19) VCF-style: chr8-48817530-T-C.
Other names: c.2941A>G, p.Arg981Gly (NM_001081640.2); short protein forms R981G.
Identifiers: ClinVar variation 2449859 (VCV002449859.2), dbSNP rs1340590339, ClinGen allele CA371157656.